The following is an entry in ClinVar:

ClinVar aggregate classification (germline): Uncertain significance (1 of 4 stars; one submission).

Conditions:
Autosomal dominant limb-girdle muscular dystrophy type 1F (LGMDD2). Also called: Limb-girdle muscular dystrophy, type 1F; MUSCULAR DYSTROPHY, LIMB-GIRDLE, AUTOSOMAL DOMINANT 2. Identifiers: Orphanet 55595, MedGen C1842062, MONDO:0012034, OMIM 608423.

Submission:

Labcorp Genetics (formerly Invitae), Labcorp
Classification: Uncertain significance for Autosomal dominant limb-girdle muscular dystrophy type 1F. Last evaluated: 2024-04-13. Review status: criteria provided, single submitter. Criteria: Invitae Variant Classification Sherloc (09022015). Collection method: clinical testing. Allele origin: germline.
Comment: This sequence change replaces arginine, which is basic and polar, with methionine, which is neutral and non-polar, at codon 620 of the TNPO3 protein (p.Arg620Met). This variant also falls at the last nucleotide of exon 14, which is part of the consensus splice site for this exon. This variant is not present in population databases (gnomAD no frequency). This variant has not been reported in the literature in individuals affected with TNPO3-related conditions. An algorithm developed to predict the effect of missense changes on protein structure and function (PolyPhen-2) suggests that this variant is likely to be disruptive. Variants that disrupt the consensus splice site are a relatively common cause of aberrant splicing (PMID: 17576681, 9536098). Algorithms developed to predict the effect of sequence changes on RNA splicing suggest that this variant may disrupt the consensus splice site. In summary, the available evidence is currently insufficient to determine the role of this variant in disease. Therefore, it has been classified as a Variant of Uncertain Significance.

Literature cited by the submitters: PubMed 17576681; PubMed 9536098.

NM_012470.4(TNPO3):c.1859G>T (p.Arg620Met)

Gene: TNPO3 (transportin 3; minus strand). Cytogenetic location: 7q32.1.
Variant type: single nucleotide variant.
Coding change: c.1859G>T on transcript NM_012470.4 (MANE Select); coding-DNA position 1859, G replaced by T.
Protein change: p.Arg620Met; replaces arginine 620 with methionine.
Molecular consequence: missense variant. On other transcripts: non-coding transcript variant (16).
Genome position (GRCh38, 1-based): chr7:128,982,248, C>A on the plus strand (G>T on the coding strand, the complement: TNPO3 is on the minus strand). VCF-style: chr7-128982248-C-A. GRCh37 (hg19) VCF-style: chr7-128622302-C-A.
Other names: c.1667G>T, p.Arg556Met (NM_001191028.3, NM_001382223.1); c.1961G>T, p.Arg654Met (NM_001382216.1); c.1940G>T, p.Arg647Met (NM_001382217.1); c.1859G>T, p.Arg620Met (NM_001382218.1, NM_001382220.1); c.1751G>T, p.Arg584Met (NM_001382219.1); c.1715G>T, p.Arg572Met (NM_001382221.1); c.1712G>T, p.Arg571Met (NM_001382222.1); short protein forms R620M, R654M, R572M, R571M, R647M, R556M, R584M.
Identifiers: ClinVar variation 3648098 (VCV003648098.2).
Genomic context (GRCh38, chr7:128,982,248, plus strand): 5'-ATACAATGGTTTCATTTGAGCCTTTAACCCAAGTAAGGCATCCAGAGTCTCCTTTCTTAC[C>A]TAAATATCACTGCAAGGCGATCTAAGAACACTGTGGGATCTGAGGATATGCCATTGCTGG-3'
Protein context (NP_036602.1, residues 610-630): VFLDRLAVIF[Arg620Met]HTNPIVENGQ